The following is an entry in ClinVar:

ClinVar aggregate classification (germline): Likely pathogenic. Review status: criteria provided, multiple submitters, no conflicts (2 of 4 stars). 2 submissions from 2 submitters: Likely pathogenic (2). Last evaluated 2025-10-15.

Conditions:
MC4R-related disorder. Also called: MC4R-related condition.

Allele frequency attached by ClinVar (database versions not stated): gnomAD exomes below 0.00001 and 0.00001; ExAC 0.00002.
gnomAD v4.1: 4 of 1,614,202 alleles (0.00025%); highest among the groups gnomAD compares: East Asian, 0.0022%; no homozygotes.

Submissions (2):

PreventionGenetics, part of Exact Sciences
Classification: Likely pathogenic for MC4R-related condition. Last evaluated: 2025-10-15. Review status: criteria provided, single submitter. Criteria: ACMG Guidelines, 2015. Collection method: clinical testing. Allele origin: germline.
Comment: The MC4R c.281G>A variant is predicted to result in the amino acid substitution p.Ser94Asn. This variant has been reported in individuals with obesity in both the heterozygous and compound heterozygous states, and functional studies support its pathogenicity (Stutzmann et al. 2008. PubMed ID: 18559663, Table 2 and Figure 1; Doulla et al. 2014. PubMed ID: 25587224; He and Tao. 2014. PubMed ID: 25332687; Wang and Tao. 2011. PubMed ID: 21729752; Lotta et al. 2019. PubMed ID: 31002796; supplementary data, reported as 18:60372069:C:T, Kaisinger et al. 2023. PubMed ID: 37601970). This variant is reported in 0.0018% of alleles in individuals of European (Non-Finnish) descent in gnomAD. Based on the collective information, we interpret this change as likely pathogenic.

GeneDx
Classification: Likely pathogenic. Last evaluated: 2024-02-08. Review status: criteria provided, single submitter. Criteria: GeneDx Variant Classification Process June 2021. Collection method: clinical testing. Allele origin: germline. Affected: yes.
Comment: Identified in in two individuals with obesity in published literature (PMID: 25587224, 18559663); Published functional studies demonstrate a damaging effect (decreased protein expression and reduced response to alpha-melanocyte stimulating hormone compared to wild type) (PMID: 21729752); In silico analysis supports that this missense variant has a deleterious effect on protein structure/function; Not observed at significant frequency in large population cohorts (gnomAD); This variant is associated with the following publications: (PMID: 25332687, 31002796, 25587224, 18559663, 21729752)

NM_005912.3(MC4R):c.281G>A (p.Ser94Asn)

Gene: MC4R (melanocortin 4 receptor; minus strand). Cytogenetic location: 18q21.32.
Variant type: single nucleotide variant.
Coding change: c.281G>A on transcript NM_005912.3 (MANE Select); coding-DNA position 281, G replaced by A.
Protein change: p.Ser94Asn; replaces serine 94 with asparagine.
Molecular consequence: missense variant.
Genome position (GRCh38, 1-based): chr18:60,372,069, C>T on the plus strand (G>A on the coding strand, the complement: MC4R is on the minus strand). VCF-style: chr18-60372069-C-T. GRCh37 (hg19) VCF-style: chr18-58039302-C-T.
Other names: short protein forms S94N.
Identifiers: ClinVar variation 381723 (VCV000381723.4), dbSNP rs772213710, ClinGen allele CA8980952.